The following is an entry in ClinVar:

ClinVar aggregate classification (germline): Uncertain significance (1 of 4 stars; one submission).

gnomAD v4.1: 3 of 1,610,224 alleles (0.00019%); highest among the groups gnomAD compares: South Asian, 0.0011%; no homozygotes.

Submission:

Ambry Genetics
Classification: Uncertain significance. Last evaluated: 2022-06-20. Review status: criteria provided, single submitter. Criteria: Ambry Variant Classification Scheme 2023. Collection method: clinical testing. Allele origin: germline.
Comment: The p.Y809C variant (also known as c.2426A>G), located in coding exon 13 of the PALLD gene, results from an A to G substitution at nucleotide position 2426. The tyrosine at codon 809 is replaced by cysteine, an amino acid with highly dissimilar properties. This amino acid position is conserved. In addition, this alteration is predicted to be deleterious by in silico analysis. Since supporting evidence is limited at this time, the clinical significance of this alteration remains unclear.

NM_001166108.2(PALLD):c.2477A>G (p.Tyr826Cys)

Genes: CBR4 (carbonyl reductase 4; minus strand), PALLD (palladin, cytoskeletal associated protein; plus strand). Cytogenetic location: 4q32.3.
Variant type: single nucleotide variant.
Coding change: c.2477A>G on transcript NM_001166108.2 (MANE Select); coding-DNA position 2477, A replaced by G.
Protein change: p.Tyr826Cys; replaces tyrosine 826 with cysteine.
Molecular consequence: missense variant.
Genome position (GRCh38, 1-based): chr4:168,903,761, A>G. VCF-style: chr4-168903761-A-G. GRCh37 (hg19) VCF-style: chr4-169824912-A-G.
Other names: c.1280A>G, p.Tyr427Cys (NM_001166109.2); c.965A>G, p.Tyr322Cys (NM_001166110.2); c.305A>G, p.Tyr102Cys (NM_001367567.1, NM_001367569.1); c.356A>G, p.Tyr119Cys (NM_001367568.1, NM_001367570.1); c.2426A>G, p.Tyr809Cys (NM_016081.4); short protein forms Y102C, Y809C, Y826C, Y119C, Y427C, Y322C.
Identifiers: ClinVar variation 1791090 (VCV001791090.2), dbSNP rs372470150, ClinGen allele CA358799236.